The following is an entry in ClinVar:

NM_001267550.2(TTN):c.93088del (p.Arg31030fs)

Genes: TTN (titin; minus strand), TTN-AS1 (TTN antisense RNA 1; plus strand). Cytogenetic location: 2q31.2.
Variant type: Deletion.
Coding change: c.93088del on transcript NM_001267550.2 (MANE Select); coding-DNA position 93088, one base deleted (C; older notation c.93088delC).
Protein change: p.Arg31030fs; shifts the reading frame from arginine 31030.
Molecular consequence: frameshift variant.
Genome position (GRCh38, 1-based): chr2:178,548,538, G deleted on the plus strand (C on the coding strand, the reverse complement: TTN is on the minus strand); the first of 3 consecutive G bases (chr2:178,548,538-178,548,540); deleting any one gives the same sequence. VCF-style (leftmost placement, unchanged base first): chr2-178548537-CG-C. GRCh37 (hg19) VCF-style: chr2-179413264-CG-C.
Other names: c.88165del, p.Arg29389fs (NM_001256850.1); c.65893del, p.Arg21965fs (NM_003319.4); c.85384del, p.Arg28462fs (NM_133378.4); c.66268del, p.Arg22090fs (NM_133432.3); c.66469del, p.Arg22157fs (NM_133437.4); short protein forms R21965fs, R22090fs, R22157fs, R28462fs, R29389fs, R31030fs.
Identifiers: ClinVar variation 1066283 (VCV001066283.9), dbSNP rs2154147488, ClinGen allele CA2499215308.

ClinVar aggregate classification (germline): Pathogenic (1 of 4 stars; one submission).

Conditions:
Dilated cardiomyopathy 1G (CMD1G). Identifiers: Orphanet 154, MedGen C1858763, MONDO:0011400, OMIM 604145.
Autosomal recessive limb-girdle muscular dystrophy type 2J (LGMDR10). Also called: Limb-girdle muscular dystrophy, type 2J; MUSCULAR DYSTROPHY, LIMB-GIRDLE, AUTOSOMAL RECESSIVE 10. Identifiers: Orphanet 140922, MedGen C1837342, MONDO:0012127, OMIM 608807.

Submission:

Labcorp Genetics (formerly Invitae), Labcorp
Classification: Pathogenic for Dilated cardiomyopathy 1G; Autosomal recessive limb-girdle muscular dystrophy type 2J. Last evaluated: 2023-10-27. Review status: criteria provided, single submitter. Criteria: Invitae Variant Classification Sherloc (09022015). Collection method: clinical testing. Allele origin: germline.
Comment: This sequence change creates a premature translational stop signal (p.Arg31030Glyfs*6) in the TTN gene. While this is not anticipated to result in nonsense mediated decay, it is expected to create a truncated TTN protein. This variant is not present in population databases (gnomAD no frequency). This premature translational stop signal has been observed in individual(s) with clinical features of dilated cardiomyopathy (Invitae). In at least one individual the variant was observed to be de novo. ClinVar contains an entry for this variant (Variation ID: 1066283). This variant is located in the A band of TTN (PMID: 25589632). Truncating variants in this region are significantly overrepresented in patients affected with dilated cardiomyopathy (PMID: 25589632). Truncating variants in this region have also been reported in individuals affected with autosomal recessive centronuclear myopathy (PMID: 23975875). For these reasons, this variant has been classified as Pathogenic.

Literature cited by the submitters: PubMed 25589632; PubMed 23975875.